The following is an entry in ClinVar:

NM_002734.5(PRKAR1A):c.107T>G (p.Val36Gly)

Gene: PRKAR1A (protein kinase cAMP-dependent type I regulatory subunit alpha; plus strand). Cytogenetic location: 17q24.2.
Variant type: single nucleotide variant.
Coding change: c.107T>G on transcript NM_002734.5 (MANE Select); coding-DNA position 107, T replaced by G.
Protein change: p.Val36Gly; replaces valine 36 with glycine.
Molecular consequence: missense variant.
Genome position (GRCh38, 1-based): chr17:68,515,506, T>G. VCF-style: chr17-68515506-T-G. GRCh37 (hg19) VCF-style: chr17-66511647-T-G.
Other names: c.107T>G, p.Val36Gly (NM_001276289.2, NM_001276290.1, NM_001278433.2 and 4 more transcripts); short protein forms V36G.
Identifiers: ClinVar variation 818333 (VCV000818333.4), dbSNP rs1600462346, ClinGen allele CA400751983.

ClinVar aggregate classification (germline): Uncertain significance (1 of 4 stars; one submission).

Conditions:
Hereditary cancer-predisposing syndrome. Also called: Tumor predisposition; Hereditary neoplastic syndrome; Neoplastic Syndromes, Hereditary; Hereditary Cancer Syndrome. Identifiers: Orphanet 140162, MedGen C0027672, MeSH D009386, MONDO:0015356.

Allele frequency attached by ClinVar (database versions not stated): gnomAD exomes below 0.00001.
gnomAD v4.1: 1 of 1,613,368 alleles (0.000062%); highest among the groups gnomAD compares: Non-Finnish European, 0.000085%; no homozygotes.

Submission:

Ambry Genetics
Classification: Uncertain significance for Hereditary cancer-predisposing syndrome. Last evaluated: 2019-11-01. Review status: criteria provided, single submitter. Criteria: Ambry Variant Classification Scheme 2023. Collection method: clinical testing. Allele origin: germline.
Comment: The p.V36G variant (also known as c.107T>G), located in coding exon 1 of the PRKAR1A gene, results from a T to G substitution at nucleotide position 107. The valine at codon 36 is replaced by glycine, an amino acid with dissimilar properties. This amino acid position is highly conserved in available vertebrate species. In addition, this alteration is predicted to be deleterious by in silico analysis. Since supporting evidence is limited at this time, the clinical significance of this alteration remains unclear.